The following is an entry in ClinVar:

NM_022039.4(FBXW4):c.*3G>A

Gene: FBXW4 (F-box and WD repeat domain containing 4; minus strand). Cytogenetic location: 10q24.32.
Variant type: single nucleotide variant.
Coding change: c.*3G>A on transcript NM_022039.4 (MANE Select); 3 bases downstream of the stop codon, G replaced by A.
Molecular consequence: 3 prime UTR variant. On other transcripts: non-coding transcript variant (1).
Genome position (GRCh38, 1-based): chr10:101,611,288, C>T on the plus strand (G>A on the coding strand, the complement: FBXW4 is on the minus strand). VCF-style: chr10-101611288-C-T. GRCh37 (hg19) VCF-style: chr10-103371045-C-T.
Other names: c.*3G>A (NM_001323541.2).
Identifiers: ClinVar variation 880345 (VCV000880345.4), dbSNP rs777074009, ClinGen allele CA5657151.
Genomic context (GRCh38, chr10:101,611,288, plus strand): 5'-CAGGCAAGAGAAGTCCCTGAGTAGCTGGTTTCCCTGGCCCAGAGGCAGGGGTGGCCCTGA[C>T]GGTCATGGGTTTTGAAAATCCAGGACGTGGAGGTTGTAAGACAGGGCAGCATAGAGATGC-3'

ClinVar aggregate classification (germline): Likely benign (1 of 4 stars; one submission).

Conditions:
Split hand-foot malformation 3. Also called: SHSF3; Buttiens Fryns syndrome; CHROMOSOME 10q24 DUPLICATION SYNDROME. Identifiers: Orphanet 1307, MedGen C1838652, MONDO:0009525, OMIM 246560.

Allele frequency attached by ClinVar (database versions not stated): gnomAD exomes 0.00003 and 0.00008; gnomAD 0.00005; TOPMed 0.00005; ExAC 0.00006.

Submission:

Illumina Laboratory Services, Illumina
Classification: Likely benign for Split hand-foot malformation 3. Last evaluated: 2018-01-13. Review status: criteria provided, single submitter. Criteria: ICSL Variant Classification Criteria 13 December 2019. Collection method: clinical testing. Allele origin: germline.
Comment: This variant was observed in the ICSL laboratory as part of a predisposition screen in an ostensibly healthy population. It had not been previously curated by ICSL or reported in the Human Gene Mutation Database (HGMD: prior to June 1st, 2018), and was therefore a candidate for classification through an automated scoring system. Utilizing variant allele frequency, disease prevalence and penetrance estimates, and inheritance mode, an automated score was calculated to assess if this variant is too frequent to cause the disease. Based on the score and internal cut-off values, a variant classified as likely benign is not then subjected to further curation. The score for this variant resulted in a classification of likely benign for this disease.